The following is an entry in ClinVar:

ClinVar aggregate classification (germline): Uncertain significance (1 of 4 stars; one submission).

Conditions:
Familial hypercholesterolemia. Also called: Familial hypercholesterolaemia. Identifiers: MedGen C0020445, MONDO:0005439.

Allele frequency attached by ClinVar (database versions not stated): gnomAD exomes below 0.00001; ExAC 0.00001.
gnomAD v4.1: 3 of 1,611,976 alleles (0.00019%); highest among the groups gnomAD compares: Non-Finnish European, 0.00025%; no homozygotes.

Submission:

Color Diagnostics, LLC DBA Color Health
Classification: Uncertain significance for Familial hypercholesterolemia. Last evaluated: 2023-12-05. Review status: criteria provided, single submitter. Criteria: ACMG Guidelines, 2015. Collection method: clinical testing. Allele origin: germline.
Comment: This missense variant replaces glutamine with histidine at codon 689 of the PCSK9 protein. Computational prediction tools and conservation analyses are inconclusive regarding the impact of this variant on the protein function. Computational splicing tools suggest that this variant may not impact RNA splicing. To our knowledge, functional assays have not been performed for this variant nor has this variant been reported in individuals affected with familial hypercholesterolemia in the literature. This variant has been identified in 1/245204 chromosomes in the general population by the Genome Aggregation Database (gnomAD). Available evidence is insufficient to determine the role of this variant in disease conclusively. Therefore, this variant is classified as a Variant of Uncertain Significance.

NM_174936.4(PCSK9):c.2067G>C (p.Gln689His)

Gene: PCSK9 (proprotein convertase subtilisin/kexin type 9; plus strand). Cytogenetic location: 1p32.3.
Variant type: single nucleotide variant.
Coding change: c.2067G>C on transcript NM_174936.4 (MANE Select); coding-DNA position 2067, G replaced by C.
Protein change: p.Gln689His; replaces glutamine 689 with histidine.
Molecular consequence: missense variant.
Genome position (GRCh38, 1-based): chr1:55,063,572, G>C. VCF-style: chr1-55063572-G-C. GRCh37 (hg19) VCF-style: chr1-55529245-G-C.
Other names: c.2190G>C, p.Gln730His (NM_001407240.1); c.2109G>C, p.Gln703His (NM_001407241.1); c.2070G>C, p.Gln690His (NM_001407242.1); c.2010G>C, p.Gln670His (NM_001407243.1); c.1893G>C, p.Gln631His (NM_001407244.1); c.1875G>C, p.Gln625His (NM_001407245.1); c.1692G>C, p.Gln564His (NM_001407246.1); c.1566G>C, p.Gln522His (NM_001407247.1); short protein forms Q689H, Q625H, Q703H, Q730H, Q522H, Q564H, Q690H, Q631H.
Identifiers: ClinVar variation 927118 (VCV000927118.6), dbSNP rs779635493, ClinGen allele CA040530.